The following is an entry in ClinVar:

ClinVar aggregate classification (germline): Pathogenic. Review status: criteria provided, multiple submitters, no conflicts (2 of 4 stars). 2 submissions from 2 submitters: Pathogenic (2). Last evaluated 2026-07-02.

Conditions:
X-linked Alport syndrome (ATS1). Also called: NEPHROPATHY AND DEAFNESS, X-LINKED; COL4A5-Related Nephropathy. Identifiers: Orphanet 63, Orphanet 88917, MedGen C4746986, MONDO:0010520, OMIM 301050.

Submissions (2):

Centre de Génétique Humaine, Institut de Pathologie Et de Génétique
Classification: Pathogenic for X-linked Alport syndrome. Last evaluated: 2026-07-02. Review status: criteria provided, single submitter. Criteria: ACMG Guidelines, 2015. Collection method: clinical testing. Allele origin: maternal, germline, paternal. Inheritance: X-linked dominant inheritance. Affected: yes. Observed: 9 variant alleles, 5 heterozygotes, 4 hemizygotes. Clinical features observed: Microscopic hematuria (HP:0002907), Severe albuminuria (HP:0033066), Stage 5 chronic kidney disease (HP:0003774), IgA deposition in the glomerulus (HP:0000794), Sensorineural hearing loss disorder (HP:0000407), Moderate albuminuria (HP:0012594), Hypertensive disorder (HP:0000822), Stage 2 chronic kidney disease (HP:0012624), Multiple renal cysts (HP:0005562), Albuminuria (HP:0012592), Renal cyst (HP:0000107). Segregation with disease observed.
Comment: This missense variant involves a highly conserved glycine located in a ‘Gly-X-Y’ motif in collagenous region, (PM1,PP2). This variant is rare: absent in gnomAD v4.1.0 database (PM2). Another missense variant affecting the same residue described as LP in ClinVar: c.3034G>T (p.Gly1012Cys) (PM5). Cosegragation over three generations in a family analysed in our lab (PP1). In silico analysis supports that this missense variant has a deleterious effect (PP3). Described as LP/P in ClinVar and in several patients with X-linked AS in the scientific literature (PP5)

Labcorp Genetics (formerly Invitae), Labcorp
Classification: Pathogenic. Last evaluated: 2021-11-02. Review status: criteria provided, single submitter. Criteria: Invitae Variant Classification Sherloc (09022015). Collection method: clinical testing. Allele origin: germline.
Comment: This sequence change replaces glycine, which is neutral and non-polar, with aspartic acid, which is acidic and polar, at codon 1012 of the COL4A5 protein (p.Gly1012Asp). This variant is not present in population databases (gnomAD no frequency). This missense change has been observed in individuals with clinical features of Alport syndrome (PMID: 29854973; Invitae). Advanced modeling of protein sequence and biophysical properties (such as structural, functional, and spatial information, amino acid conservation, physicochemical variation, residue mobility, and thermodynamic stability) performed at Invitae indicates that this missense variant is expected to disrupt COL4A5 protein function. This variant disrupts the triple helix domain of COL4A5. Glycine residues within the Gly-Xaa-Yaa repeats of the triple helix domain are required for the structure and stability of fibrillar collagens (PMID: 7695699, 8218237, 19344236). In COL4A5, missense variants at these glycine residues are significantly enriched in individuals with disease (PMID: 23720012, 27627812) compared to the general population (ExAC). For these reasons, this variant has been classified as Pathogenic.

Literature cited by the submitters: PubMed 29854973 (cited by Centre de Génétique Humaine, Institut de Pathologie Et de Génétique and Labcorp Genetics (formerly Invitae), Labcorp); PubMed 35020912 (cited by Centre de Génétique Humaine, Institut de Pathologie Et de Génétique); PubMed 37100867 (cited by Centre de Génétique Humaine, Institut de Pathologie Et de Génétique); PubMed 39558648 (cited by Centre de Génétique Humaine, Institut de Pathologie Et de Génétique); PubMed 7695699 (cited by Labcorp Genetics (formerly Invitae), Labcorp); PubMed 8218237 (cited by Labcorp Genetics (formerly Invitae), Labcorp); PubMed 19344236 (cited by Labcorp Genetics (formerly Invitae), Labcorp); PubMed 23720012 (cited by Labcorp Genetics (formerly Invitae), Labcorp); PubMed 27627812 (cited by Labcorp Genetics (formerly Invitae), Labcorp).

NM_033380.3(COL4A5):c.3035G>A (p.Gly1012Asp)

Gene: COL4A5 (collagen type IV alpha 5 chain; plus strand). Cytogenetic location: Xq22.3.
Variant type: single nucleotide variant.
Coding change: c.3035G>A on transcript NM_033380.3 (MANE Select); coding-DNA position 3035, G replaced by A.
Protein change: p.Gly1012Asp; replaces glycine 1012 with aspartic acid.
Molecular consequence: missense variant.
Genome position (GRCh38, 1-based): chrX:108,625,723, G>A. VCF-style: chrX-108625723-G-A. GRCh37 (hg19) VCF-style: chrX-107868953-G-A.
Other names: p.(Gly1012Asp); c.3035G>A, p.Gly1012Asp (NM_000495.5); short protein forms G1012D.
Identifiers: ClinVar variation 1434827 (VCV001434827.7), dbSNP rs2147872098, ClinGen allele CA413854501.
Genomic context (GRCh38, chrX:108,625,723, plus strand): 5'-TATTGCTACATTGTCTTAATTTTACCAATTTGACCTTTCTAGGTCCCAAAGGTAACCCTG[G>A]TCTCCCTGGACAGCCAGGTCTTATAGGACCTCCTGGACTTAAAGGAACCATCGGTGATAT-3'
Protein context (NP_203699.1, residues 1002-1022): PGPPGPKGNP[Gly1012Asp]LPGQPGLIGP